The following is an entry in ClinVar:

NM_000453.3(SLC5A5):c.1652-9G>A

Gene: SLC5A5 (solute carrier family 5 member 5; plus strand). Cytogenetic location: 19p13.11.
Variant type: single nucleotide variant.
Coding change: c.1652-9G>A on transcript NM_000453.3 (MANE Select); 9 bases into the intron before coding-DNA position 1652, G replaced by A.
Molecular consequence: intron variant.
Genome position (GRCh38, 1-based): chr19:17,890,877, G>A. VCF-style: chr19-17890877-G-A. GRCh37 (hg19) VCF-style: chr19-18001686-G-A.
Identifiers: ClinVar variation 256199 (VCV000256199.18), dbSNP rs4808708, ClinGen allele CA9303265.
Genomic context (GRCh38, chr19:17,890,877, plus strand): 5'-ACCTGGTCTCCAACCCCCATGACCCCTTCACTGAATGCCTGGATTTCTCCATTTCTCCCC[G>A]CCTCTCAGGCCCCACCAAGCGCAGCACCCTGGCCCCGGGATTGTTGTGGTGGGACCTCGC-3'

ClinVar aggregate classification (germline): Benign/Likely benign. Review status: criteria provided, multiple submitters, no conflicts (2 of 4 stars). 10 submissions from 10 submitters: Benign (7); Likely benign (1). 2 of the submissions do not count toward it. Last evaluated 2026-05-09.

Conditions:
Thyroid dyshormonogenesis 1. Also called: Familial thyroid dyshormonogenesis 1; HYPOTHYROIDISM, CONGENITAL, DUE TO DYSHORMONOGENESIS, 1; IODINE ACCUMULATION, TRANSPORT, OR TRAPPING DEFECT; THYROID HORMONOGENESIS, GENETIC DEFECT IN, 1. Identifiers: Orphanet 95716, MedGen C1848805, MONDO:0020716, OMIM 274400.

Allele frequency attached by ClinVar (database versions not stated): 1000 Genomes Project 30x 0.12196; 1000 Genomes Project 0.12460; TOPMed 0.17600; gnomAD exomes 0.17929 and 0.21702; ExAC 0.17950; gnomAD 0.18712 and 0.18985; ESP Exome Variant Server 0.19852.
gnomAD v4.1: 341,213 of 1,597,824 alleles (21%); highest among the groups gnomAD compares: Middle Eastern, 26%; 38,849 homozygotes.

Submissions (10):

Women's Health and Genetics/Laboratory Corporation of America, LabCorp
Classification: Benign. Last evaluated: 2026-05-09. Review status: criteria provided, single submitter. Criteria: LabCorp Variant Classification Summary - May 2015. Collection method: clinical testing. Allele origin: germline.

Labcorp Genetics (formerly Invitae), Labcorp
Classification: Benign. Last evaluated: 2026-02-04. Review status: criteria provided, single submitter. Criteria: Invitae Variant Classification Sherloc (09022015). Collection method: clinical testing. Allele origin: germline.

Blueprint Genetics
Classification: Likely benign. Last evaluated: 2024-11-28. Review status: criteria provided, single submitter. Criteria: ACMG Guidelines, 2015. Collection method: clinical testing. Allele origin: germline.

Genome-Nilou Lab
Classification: Benign for Thyroid dyshormonogenesis 1. Last evaluated: 2021-07-15. Review status: criteria provided, single submitter. Criteria: ACMG Guidelines, 2015. Collection method: clinical testing. Allele origin: germline. Affected: no.

GeneDx
Classification: Benign. Last evaluated: 2021-06-09. Review status: criteria provided, single submitter. Criteria: GeneDx Variant Classification Process June 2021. Collection method: clinical testing. Allele origin: germline. Affected: yes.

Illumina Laboratory Services, Illumina
Classification: Benign for Thyroid dyshormonogenesis 1. Last evaluated: 2018-01-13. Review status: criteria provided, single submitter. Criteria: ICSL Variant Classification Criteria 13 December 2019. Collection method: clinical testing. Allele origin: germline.
Comment: This variant was observed in the ICSL laboratory as part of a predisposition screen in an ostensibly healthy population. It had not been previously curated by ICSL or reported in the Human Gene Mutation Database (HGMD: prior to June 1st, 2018), and was therefore a candidate for classification through an automated scoring system. Utilizing variant allele frequency, disease prevalence and penetrance estimates, and inheritance mode, an automated score was calculated to assess if this variant is too frequent to cause the disease. Based on the score and internal cut-off values, a variant classified as benign is not then subjected to further curation. The score for this variant resulted in a classification of benign for this disease.

Breakthrough Genomics
Classification: Benign. Review status: criteria provided, single submitter. Criteria: ACMG Guidelines, 2015. Collection method: not provided. Allele origin: germline. Inheritance: Autosomal recessive inheritance. Affected: yes.

PreventionGenetics, part of Exact Sciences
Classification: Benign. Review status: criteria provided, single submitter. Criteria: ACMG Guidelines, 2015. Collection method: clinical testing. Allele origin: germline.

Clinical Genetics, Academic Medical Center
Classification: Benign. Review status: no assertion criteria provided. Collection method: clinical testing. Allele origin: germline. Affected: yes. Study: VKGL Data-share Consensus. Not counted in ClinVar's aggregate classification.

Diagnostic Laboratory, Department of Genetics, University Medical Center Groningen
Classification: Benign for Thyroid dyshormonogenesis 1. Review status: no assertion criteria provided. Collection method: clinical testing. Allele origin: germline. Affected: yes. Study: VKGL Data-share Consensus. Not counted in ClinVar's aggregate classification.